The following is an entry in ClinVar:

ClinVar aggregate classification (germline): Uncertain significance (1 of 4 stars; one submission).

Conditions:
Myasthenic syndrome, congenital, 22 (CMS22). Also called: PREPL DEFICIENCY. Identifiers: MedGen C4479088, MONDO:0044299, OMIM 616224.

Allele frequency attached by ClinVar (database versions not stated): ExAC 0.00002.
gnomAD v4.1: 22 of 1,612,768 alleles (0.0014%); highest among the groups gnomAD compares: South Asian, 0.024%; 2 homozygotes.

Submission:

Labcorp Genetics (formerly Invitae), Labcorp
Classification: Uncertain significance for Myasthenic syndrome, congenital, 22. Last evaluated: 2020-10-26. Review status: criteria provided, single submitter. Criteria: Invitae Variant Classification Sherloc (09022015). Collection method: clinical testing. Allele origin: germline.
Comment: In summary, the available evidence is currently insufficient to determine the role of this variant in disease. Therefore, it has been classified as a Variant of Uncertain Significance. Algorithms developed to predict the effect of missense changes on protein structure and function (SIFT, PolyPhen-2, Align-GVGD) all suggest that this variant is likely to be tolerated, but these predictions have not been confirmed by published functional studies and their clinical significance is uncertain. This variant has not been reported in the literature in individuals with PREPL-related conditions. The frequency data for this variant in the population databases is considered unreliable, as metrics indicate poor data quality at this position in the ExAC database. This sequence change replaces phenylalanine with leucine at codon 205 of the PREPL protein (p.Phe205Leu). The phenylalanine residue is highly conserved and there is a small physicochemical difference between phenylalanine and leucine.

NM_001171613.2(PREPL):c.348T>G (p.Phe116Leu)

Gene: PREPL (prolyl endopeptidase like; minus strand). Cytogenetic location: 2p21.
Variant type: single nucleotide variant.
Coding change: c.348T>G on transcript NM_001171613.2 (MANE Select); coding-DNA position 348, T replaced by G.
Protein change: p.Phe116Leu; replaces phenylalanine 116 with leucine.
Molecular consequence: missense variant.
Genome position (GRCh38, 1-based): chr2:44,343,746, A>C on the plus strand (T>G on the coding strand, the complement: PREPL is on the minus strand). VCF-style: chr2-44343746-A-C. GRCh37 (hg19) VCF-style: chr2-44570885-A-C.
Other names: c.615T>G, p.Phe205Leu (NM_001042385.2, NM_001042386.2, NM_001171603.1 and 4 more transcripts); c.348T>G, p.Phe116Leu (NM_001171617.1, NM_001374277.1); short protein forms F116L, F205L.
Identifiers: ClinVar variation 1057003 (VCV001057003.7), dbSNP rs768746948, ClinGen allele CA1641534.
Genomic context (GRCh38, chr2:44,343,746, plus strand): 5'-GTTTCAAAAGTGTTACCGTTGCCTTTCAACACAGAGGACTATTTTGGTTGGTGGCTTACC[A>C]AAACTGGACACATTCGGGAAAGAAGCTTCCATTACGGGCTGATCGCTGAGCTTTATAATT-3'
Protein context (NP_001165084.1, residues 106-126): MEASFPNVSS[Phe116Leu]EWVKDEEDED